The following is an entry in ClinVar:

NM_173630.4(RTTN):c.1611C>A (p.Tyr537Ter)

Gene: RTTN (rotatin; minus strand). Cytogenetic location: 18q22.2.
Variant type: single nucleotide variant.
Coding change: c.1611C>A on transcript NM_173630.4 (MANE Select); coding-DNA position 1611, C replaced by A.
Protein change: p.Tyr537Ter; replaces tyrosine 537 with a stop codon.
Molecular consequence: nonsense. On other transcripts: 5 prime UTR variant (1).
Genome position (GRCh38, 1-based): chr18:70,168,933, G>T on the plus strand (C>A on the coding strand, the complement: RTTN is on the minus strand). VCF-style: chr18-70168933-G-T. GRCh37 (hg19) VCF-style: chr18-67836169-G-T.
Other names: c.-1037C>A (NM_001318520.2); c.1611C>A (NM_173630.3); short protein forms Y537*.
Identifiers: ClinVar variation 4085142 (VCV004085142.9).
Genomic context (GRCh38, chr18:70,168,933, plus strand): 5'-CAGGAAGTTACAGGTGCATTCAATTGAATAAACGGCCTCTGCAGTTCGTTTATAAATACT[G>T]TAGTTTTCAGAATTCAGCTGTTCCAAATAGGCCACAACAGCTTCATGAATATTTGGATAT-3'

ClinVar aggregate classification (germline): Pathogenic/Likely pathogenic. Review status: criteria provided, multiple submitters, no conflicts (2 of 4 stars). 2 submissions from 2 submitters: Pathogenic (1); Likely pathogenic (1). Last evaluated 2026-03-25.

Submissions (2):

GeneDx
Classification: Likely pathogenic. Last evaluated: 2026-03-25. Review status: criteria provided, single submitter. Criteria: GeneDx Variant Classification Process June 2021. Collection method: clinical testing. Allele origin: germline.
Comment: Nonsense variant predicted to result in protein truncation or nonsense mediated decay in a gene for which loss of function is a known mechanism of disease; Not observed at significant frequency in large population cohorts (gnomAD); Has not been previously published as pathogenic or benign to our knowledge

CeGaT Center for Human Genetics Tuebingen
Classification: Pathogenic. Last evaluated: 2025-06-01. Review status: criteria provided, single submitter. Criteria: CeGaT Center For Human Genetics Tuebingen Variant Classification Criteria Version 2. Collection method: clinical testing. Allele origin: germline. Affected: yes. Observed: 1 variant allele.
Comment: RTTN: PVS1, PM2